The following is an entry in ClinVar:

NM_001458.5(FLNC):c.7580T>G (p.Ile2527Ser)

Genes: FLNC-AS1 (FLNC antisense RNA 1; minus strand), FLNC (filamin C; plus strand). Cytogenetic location: 7q32.1.
Variant type: single nucleotide variant.
Coding change: c.7580T>G on transcript NM_001458.5 (MANE Select); coding-DNA position 7580, T replaced by G.
Protein change: p.Ile2527Ser; replaces isoleucine 2527 with serine.
Molecular consequence: missense variant.
Genome position (GRCh38, 1-based): chr7:128,857,136, T>G. VCF-style: chr7-128857136-T-G. GRCh37 (hg19) VCF-style: chr7-128497190-T-G.
Other names: c.7481T>G, p.Ile2494Ser (NM_001127487.2); short protein forms I2494S, I2527S.
Identifiers: ClinVar variation 1405879 (VCV001405879.8), dbSNP rs749891076, ClinGen allele CA369219237.
Genomic context (GRCh38, chr7:128,857,136, plus strand): 5'-CAAGCCCTTCCTGCCCTCAGCCTTGCTACCTCTGGCCCCCAGGTGTGTCATCAGAGTTCA[T>G]CGTGAACACCCTGAATGCCGGCTCGGGGGCCTTGTCTGTCACCATTGATGGCCCCTCCAA-3'
Protein context (NP_001449.3, residues 2517-2537): GGTTGVSSEF[Ile2527Ser]VNTLNAGSGA

ClinVar aggregate classification (germline): Uncertain significance (1 of 4 stars; one submission).

Conditions:
Hypertrophic cardiomyopathy 26. Also called: Cardiomyopathy, familial hypertrophic, 26. Identifiers: Orphanet 75249, MedGen C4310749, MONDO:0014883, OMIM 617047.
Myofibrillar myopathy 5. Also called: FILAMINOPATHY, AUTOSOMAL DOMINANT; Filaminopathy (type). Identifiers: Orphanet 171445, MedGen C1836050, MONDO:0012289, OMIM 609524.
Distal myopathy with posterior leg and anterior hand involvement. Also called: WILLIAMS DISTAL MYOPATHY. Identifiers: Orphanet 63273, MedGen C3279722, MONDO:0013550, OMIM 614065.

Submission:

Labcorp Genetics (formerly Invitae), Labcorp
Classification: Uncertain significance for Distal myopathy with posterior leg and anterior hand involvement; Myofibrillar myopathy 5; Hypertrophic cardiomyopathy 26. Last evaluated: 2022-03-08. Review status: criteria provided, single submitter. Criteria: Invitae Variant Classification Sherloc (09022015). Collection method: clinical testing. Allele origin: germline.
Comment: Algorithms developed to predict the effect of missense changes on protein structure and function are either unavailable or do not agree on the potential impact of this missense change (SIFT: "Deleterious"; PolyPhen-2: "Benign"; Align-GVGD: "Class C0"). This variant has not been reported in the literature in individuals affected with FLNC-related conditions. This variant is not present in population databases (gnomAD no frequency). This sequence change replaces isoleucine, which is neutral and non-polar, with serine, which is neutral and polar, at codon 2527 of the FLNC protein (p.Ile2527Ser). In summary, the available evidence is currently insufficient to determine the role of this variant in disease. Therefore, it has been classified as a Variant of Uncertain Significance.